The following is an entry in ClinVar:

NM_003611.3(OFD1):c.94A>G (p.Ile32Val)

Genes: OFD1 (OFD1 centriole and centriolar satellite protein; plus strand), LOC126863212 (CDK7 strongly-dependent group 2 enhancer GRCh37_chrX:13752241-13753440; plus strand). Cytogenetic location: Xp22.2.
Variant type: single nucleotide variant.
Coding change: c.94A>G on transcript NM_003611.3 (MANE Select); coding-DNA position 94, A replaced by G.
Protein change: p.Ile32Val; replaces isoleucine 32 with valine.
Molecular consequence: missense variant. On other transcripts: 5 prime UTR variant (1).
Genome position (GRCh38, 1-based): chrX:13,735,329, A>G. VCF-style: chrX-13735329-A-G. GRCh37 (hg19) VCF-style: chrX-13753448-A-G.
Other names: c.94A>G, p.Ile32Val (NM_001330209.2); c.-452A>G (NM_001330210.2); short protein forms I32V.
Identifiers: ClinVar variation 1376372 (VCV001376372.8), dbSNP rs367927336, ClinGen allele CA326105862.

ClinVar aggregate classification (germline): Uncertain significance (1 of 4 stars; one submission).

Conditions:
Joubert syndrome. Also called: CEREBELLOPARENCHYMAL DISORDER IV; JOUBERT-BOLTSHAUSER SYNDROME; Familial aplasia of the vermis. Identifiers: Orphanet 475, MedGen C5979921, MONDO:0018772.
Orofaciodigital syndrome I (OFD1). Also called: OFDS I; Papillon-Leage and Psaume Syndrome; Oral-Facial-Digital Syndrome Type I. Identifiers: Orphanet 2750, MedGen C1510460, MONDO:0010702, OMIM 311200.

Allele frequency attached by ClinVar (database versions not stated): gnomAD exomes 0.00001; TOPMed 0.00001; ESP Exome Variant Server 0.00009.

Submission:

Labcorp Genetics (formerly Invitae), Labcorp
Classification: Uncertain significance for Orofaciodigital syndrome I; Joubert syndrome. Last evaluated: 2021-07-26. Review status: criteria provided, single submitter. Criteria: Invitae Variant Classification Sherloc (09022015). Collection method: clinical testing. Allele origin: germline.
Comment: This variant has not been reported in the literature in individuals affected with OFD1-related conditions. This variant is not present in population databases (ExAC no frequency). This sequence change replaces isoleucine with valine at codon 32 of the OFD1 protein (p.Ile32Val). The isoleucine residue is moderately conserved and there is a small physicochemical difference between isoleucine and valine. Algorithms developed to predict the effect of missense changes on protein structure and function output the following: SIFT: "Tolerated"; PolyPhen-2: "Benign"; Align-GVGD: "Class C0". The valine amino acid residue is found in multiple mammalian species, which suggests that this missense change does not adversely affect protein function. In summary, the available evidence is currently insufficient to determine the role of this variant in disease. Therefore, it has been classified as a Variant of Uncertain Significance.